The following is an entry in ClinVar:

ClinVar aggregate classification (germline): Uncertain significance. Review status: criteria provided, multiple submitters, no conflicts (2 of 4 stars). 2 submissions from 2 submitters: Uncertain significance (2). Last evaluated 2026-07-06.

Conditions:
Hereditary cancer-predisposing syndrome. Also called: Tumor predisposition; Hereditary Cancer Syndrome; Hereditary neoplastic syndrome; Neoplastic Syndromes, Hereditary. Identifiers: Orphanet 140162, MedGen C0027672, MeSH D009386, MONDO:0015356.
Oligodontia-cancer predisposition syndrome. Also called: TOOTH AGENESIS-COLORECTAL CANCER SYNDROME. Identifiers: Orphanet 300576, MedGen C1837750, MONDO:0012075, OMIM 608615. Disease mechanism: loss of function.

Allele frequency attached by ClinVar (database versions not stated): TOPMed below 0.00001.

Submissions (2):

Ambry Genetics
Classification: Uncertain significance for Hereditary cancer-predisposing syndrome. Last evaluated: 2026-07-06. Review status: criteria provided, single submitter. Criteria: Ambry Variant Classification Scheme 2023. Collection method: clinical testing. Allele origin: germline.
Comment: The p.E386Q variant (also known as c.1156G>C), located in coding exon 4 of the AXIN2 gene, results from a G to C substitution at nucleotide position 1156. The glutamic acid at codon 386 is replaced by glutamine, an amino acid with highly similar properties. This amino acid position is conserved. In addition, the in silico prediction for this alteration is inconclusive. Based on the available evidence, the clinical significance of this variant remains unclear.

Labcorp Genetics (formerly Invitae), Labcorp
Classification: Uncertain significance for Oligodontia-cancer predisposition syndrome. Last evaluated: 2022-03-06. Review status: criteria provided, single submitter. Criteria: Invitae Variant Classification Sherloc (09022015). Collection method: clinical testing. Allele origin: germline.
Comment: This sequence change replaces glutamic acid, which is acidic and polar, with glutamine, which is neutral and polar, at codon 386 of the AXIN2 protein (p.Glu386Gln). This variant is not present in population databases (gnomAD no frequency). This variant has not been reported in the literature in individuals affected with AXIN2-related conditions. Algorithms developed to predict the effect of missense changes on protein structure and function are either unavailable or do not agree on the potential impact of this missense change (SIFT: "Deleterious"; PolyPhen-2: "Benign"; Align-GVGD: "Class C0"). In summary, the available evidence is currently insufficient to determine the role of this variant in disease. Therefore, it has been classified as a Variant of Uncertain Significance.

NM_004655.4(AXIN2):c.1156G>C (p.Glu386Gln)

Gene: AXIN2 (axin 2; minus strand). Cytogenetic location: 17q24.1.
Variant type: single nucleotide variant.
Coding change: c.1156G>C on transcript NM_004655.4 (MANE Select); coding-DNA position 1156, G replaced by C.
Protein change: p.Glu386Gln; replaces glutamic acid 386 with glutamine.
Molecular consequence: missense variant.
Genome position (GRCh38, 1-based): chr17:65,538,247, C>G on the plus strand (G>C on the coding strand, the complement: AXIN2 is on the minus strand). VCF-style: chr17-65538247-C-G. GRCh37 (hg19) VCF-style: chr17-63534365-C-G.
Other names: c.1156G>C, p.Glu386Gln (NM_001363813.1); short protein forms E386Q.
Identifiers: ClinVar variation 2107423 (VCV002107423.5), dbSNP rs1173549577, ClinGen allele CA400678290.